The following is an entry in ClinVar:

NM_018896.5(CACNA1G):c.140A>T (p.Glu47Val)

Genes: CACNA1G (calcium voltage-gated channel subunit alpha1 G; plus strand), CACNA1G-AS1 (CACNA1G antisense RNA 1; minus strand). Cytogenetic location: 17q21.33.
Variant type: single nucleotide variant.
Coding change: c.140A>T on transcript NM_018896.5 (MANE Select); coding-DNA position 140, A replaced by T.
Protein change: p.Glu47Val; replaces glutamic acid 47 with valine.
Molecular consequence: missense variant. On other transcripts: non-coding transcript variant (5).
Genome position (GRCh38, 1-based): chr17:50,561,599, A>T. VCF-style: chr17-50561599-A-T. GRCh37 (hg19) VCF-style: chr17-48638960-A-T.
Other names: c.140A>T, p.Glu47Val (NM_001256324.2, NM_001256325.2, NM_001256326.2 and 24 more transcripts); short protein forms E47V.
Identifiers: ClinVar variation 3911956 (VCV003911956.2).
Genomic context (GRCh38, chr17:50,561,599, plus strand): 5'-GGGCCGGGGGCCGGCCGGGGCCGGGGTCAGCAGAAAAGGACCCGGGCAGCGCGGACTCCG[A>T]GGCGGAGGGGCTGCCGTACCCGGCGCTGGCCCCGGTGGTTTTCTTCTACTTGAGCCAGGA-3'
Protein context (NP_061496.2, residues 37-57): AEKDPGSADS[Glu47Val]AEGLPYPALA

ClinVar aggregate classification (germline): Uncertain significance (1 of 4 stars; one submission).

Submission:

Women's Health and Genetics/Laboratory Corporation of America, LabCorp
Classification: Uncertain significance. Last evaluated: 2025-07-02. Review status: criteria provided, single submitter. Criteria: LabCorp Variant Classification Summary - May 2015. Collection method: clinical testing. Allele origin: germline.
Comment: Variant summary: CACNA1G c.140A>T (p.Glu47Val) results in a non-conservative amino acid change in the encoded protein sequence. Algorithms developed to predict the effect of missense changes on protein structure and function all suggest that this variant is likely to be disruptive. The variant allele was found at a frequency of 5.4e-06 in 185516 control chromosomes. The available data on variant occurrences in the general population are insufficient to allow any conclusion about variant significance. To our knowledge, no occurrence of c.140A>T in individuals affected with Spinocerebellar Ataxia Type 42 and no experimental evidence demonstrating its impact on protein function have been reported. No submitters have cited clinical-significance assessments for this variant to ClinVar. Based on the evidence outlined above, the variant was classified as uncertain significance.